The following is an entry in ClinVar:

ClinVar aggregate classification (germline): Uncertain significance. Review status: criteria provided, multiple submitters, no conflicts (2 of 4 stars). 2 submissions from 2 submitters: Uncertain significance (2). Last evaluated 2024-05-06.

Allele frequency attached by ClinVar (database versions not stated): ExAC 0.00002; gnomAD 0.00003; gnomAD exomes 0.00003; TOPMed 0.00005.
gnomAD v4.1: 41 of 1,608,652 alleles (0.0025%); highest among the groups gnomAD compares: Non-Finnish European, 0.0032%; no homozygotes.

Submissions (2):

Women's Health and Genetics/Laboratory Corporation of America, LabCorp
Classification: Uncertain significance. Last evaluated: 2024-05-06. Review status: criteria provided, single submitter. Criteria: LabCorp Variant Classification Summary - May 2015. Collection method: clinical testing. Allele origin: germline.
Comment: Variant summary: PCLO c.13795T>G (p.Ser4599Ala) results in a conservative amino acid change in the encoded protein sequence. Five of five in-silico tools predict a benign effect of the variant on protein function. The variant allele was found at a frequency of 2e-05 in 245160 control chromosomes. The available data on variant occurrences in the general population are insufficient to allow any conclusion about variant significance. To our knowledge, no occurrence of c.13795T>G in individuals affected with Pontocerebellar Hypoplasia Type 3 and no experimental evidence demonstrating its impact on protein function have been reported. ClinVar contains an entry for this variant (Variation ID: 1991939). Based on the evidence outlined above, the variant was classified as uncertain significance.

Labcorp Genetics (formerly Invitae), Labcorp
Classification: Uncertain significance. Last evaluated: 2024-02-29. Review status: criteria provided, single submitter. Criteria: Invitae Variant Classification Sherloc (09022015). Collection method: clinical testing. Allele origin: germline.
Comment: This sequence change replaces serine, which is neutral and polar, with alanine, which is neutral and non-polar, at codon 4599 of the PCLO protein (p.Ser4599Ala). This variant is present in population databases (rs750373133, gnomAD 0.005%). This variant has not been reported in the literature in individuals affected with PCLO-related conditions. ClinVar contains an entry for this variant (Variation ID: 1991939). Experimental studies and prediction algorithms are not available or were not evaluated, and the functional significance of this variant is currently unknown. In summary, the available evidence is currently insufficient to determine the role of this variant in disease. Therefore, it has been classified as a Variant of Uncertain Significance.

NM_033026.6(PCLO):c.13795T>G (p.Ser4599Ala)

Gene: PCLO (piccolo presynaptic cytomatrix protein; minus strand). Cytogenetic location: 7q21.11.
Variant type: single nucleotide variant.
Coding change: c.13795T>G on transcript NM_033026.6 (MANE Select); coding-DNA position 13795, T replaced by G.
Protein change: p.Ser4599Ala; replaces serine 4599 with alanine.
Molecular consequence: missense variant.
Genome position (GRCh38, 1-based): chr7:82,846,603, A>C on the plus strand (T>G on the coding strand, the complement: PCLO is on the minus strand). VCF-style: chr7-82846603-A-C. GRCh37 (hg19) VCF-style: chr7-82475919-A-C.
Other names: c.13795T>G, p.Ser4599Ala (NM_014510.3); short protein forms S4599A.
Identifiers: ClinVar variation 1991939 (VCV001991939.5), dbSNP rs750373133, ClinGen allele CA4319026.